The following is an entry in ClinVar:

ClinVar aggregate classification (germline): Uncertain significance (1 of 4 stars; one submission).

gnomAD v4.1: 1 of 1,614,140 alleles (0.000062%); highest among the groups gnomAD compares: Non-Finnish European, 0.000085%; no homozygotes.

Submission:

Labcorp Genetics (formerly Invitae), Labcorp
Classification: Uncertain significance. Last evaluated: 2025-03-19. Review status: criteria provided, single submitter. Criteria: Invitae Variant Classification Sherloc (09022015). Collection method: clinical testing. Allele origin: germline.
Comment: This sequence change replaces alanine, which is neutral and non-polar, with aspartic acid, which is acidic and polar, at codon 603 of the CTNNA1 protein (p.Ala603Asp). This variant is not present in population databases (gnomAD no frequency). This variant has not been reported in the literature in individuals affected with CTNNA1-related conditions. Invitae Evidence Modeling of protein sequence and biophysical properties (such as structural, functional, and spatial information, amino acid conservation, physicochemical variation, residue mobility, and thermodynamic stability) indicates that this missense variant is not expected to disrupt CTNNA1 protein function with a negative predictive value of 80%. In summary, the available evidence is currently insufficient to determine the role of this variant in disease. Therefore, it has been classified as a Variant of Uncertain Significance.

NM_001903.5(CTNNA1):c.1808C>A (p.Ala603Asp)

Gene: CTNNA1 (catenin alpha 1; plus strand). Cytogenetic location: 5q31.2.
Variant type: single nucleotide variant.
Coding change: c.1808C>A on transcript NM_001903.5 (MANE Select); coding-DNA position 1808, C replaced by A.
Protein change: p.Ala603Asp; replaces alanine 603 with aspartic acid.
Molecular consequence: missense variant.
Genome position (GRCh38, 1-based): chr5:138,925,316, C>A. VCF-style: chr5-138925316-C-A. GRCh37 (hg19) VCF-style: chr5-138261005-C-A.
Other names: c.1808C>A, p.Ala603Asp (NM_001290307.3, NM_001323982.2, NM_001323983.1 and 2 more transcripts); c.1499C>A, p.Ala500Asp (NM_001290309.3); c.1439C>A, p.Ala480Asp (NM_001290310.3); c.698C>A, p.Ala233Asp (NM_001290312.1, NM_001323987.1, NM_001323988.1 and 17 more transcripts); c.1715C>A, p.Ala572Asp (NM_001323986.2); c.359C>A, p.Ala120Asp (NM_001324006.1, NM_001324007.1, NM_001324008.1 and 2 more transcripts); c.605C>A, p.Ala202Asp (NM_001324011.1); c.455C>A, p.Ala152Asp (NM_001324012.1, NM_001324013.1); short protein forms A480D, A572D, A120D, A603D, A152D, A202D, A233D, A500D.
Identifiers: ClinVar variation 4738277 (VCV004738277.1).